The following is an entry in ClinVar:

ClinVar aggregate classification (germline): Likely pathogenic (1 of 4 stars; one submission).

Conditions:
CFTR-related disorder (CFTR-RD). Also called: CFTR-related disorders; CFTR-related condition. Identifiers: MedGen C5924204, MONDO:7770004.

Submission:

Natera, Inc.
Classification: Likely pathogenic for CFTR-related disorders. Last evaluated: 2025-03-17. Review status: criteria provided, single submitter. Criteria: Natera Variant Classification Schema (03/2026). Collection method: clinical testing. Allele origin: germline.
Comment: The c.954delinsTT variant in CFTR is a frameshift variant predicted to shift the reading frame beginning at codon 320 and leads to a stop codon 44 codons downstream. This variant is expected to result in nonsense mediated decay, truncation, or a dysfunctional protein product. This variant is rare in the general population with a frequency below the threshold expected for the associated phenotype(s). Given the available evidence, this variant is classified as Likely Pathogenic.

NM_000492.4(CFTR):c.954delinsTT (p.Leu320fs)

Gene: CFTR (CF transmembrane conductance regulator; plus strand). Cytogenetic location: 7q31.2.
Variant type: Indel.
Coding change: c.954delinsTT on transcript NM_000492.4 (MANE Select); coding-DNA position 954, G replaced by TT.
Protein change: p.Leu320fs; shifts the reading frame from leucine 320.
Molecular consequence: frameshift variant.
Genome position (GRCh38, 1-based): chr7:117,540,184, G replaced by TT. VCF-style: chr7-117540184-G-TT. GRCh37 (hg19) VCF-style: chr7-117180238-G-TT.
Other names: c.954delGinsTT, p.Leu320Phefs (NM_000492.3); short protein forms L320fs.
Identifiers: ClinVar variation 4818578 (VCV004818578.1).
Genomic context (GRCh38, chr7:117,540,184, plus strand): 5'-GGCAGCCTATGTGAGATACTTCAATAGCTCAGCCTTCTTCTTCTCAGGGTTCTTTGTGGT[G>TT]TTTTTATCTGTGCTTCCCTATGCACTAATCAAAGGAATCATCCTCCGGAAAATATTCACC-3'